The following is an entry in ClinVar:

ClinVar aggregate classification (germline): Benign (1 of 4 stars; one submission).

Allele frequency attached by ClinVar (database versions not stated): gnomAD 0.00018.

Submission:

CeGaT Center for Human Genetics Tuebingen
Classification: Benign. Last evaluated: 2022-10-01. Review status: criteria provided, single submitter. Criteria: CeGaT Center For Human Genetics Tuebingen Variant Classification Criteria Version 2. Collection method: clinical testing. Allele origin: germline. Affected: yes. Observed: 7 variant alleles.
Comment: DICER1: BS1, BS2

NM_177438.3(DICER1):c.4206+13G>T

Gene: DICER1 (dicer 1, ribonuclease III; minus strand). Cytogenetic location: 14q32.13.
Variant type: single nucleotide variant.
Coding change: c.4206+13G>T on transcript NM_177438.3 (MANE Select); 13 bases into the intron after coding-DNA position 4206, G replaced by T.
Molecular consequence: intron variant.
Genome position (GRCh38, 1-based): chr14:95,099,767, C>A on the plus strand (G>T on the coding strand, the complement: DICER1 is on the minus strand). VCF-style: chr14-95099767-C-A. GRCh37 (hg19) VCF-style: chr14-95566104-C-A.
Other names: c.4206+13G>T (NM_001291628.2, NM_030621.4, NM_001395677.1 and 12 more transcripts); c.3801+13G>T (NM_001395690.1, NM_001395687.1, NM_001395689.1 and 2 more transcripts); c.3924+13G>T (NM_001395686.1); c.3639+13G>T (NM_001395691.1); c.2523+13G>T (NM_001395697.1).
Identifiers: ClinVar variation 2644488 (VCV002644488.24), dbSNP rs398043696, ClinGen allele CA265900548.